The following is an entry in ClinVar:

NM_003737.4(DCHS1):c.3893G>C (p.Ser1298Thr)

Gene: DCHS1 (dachsous cadherin-related 1; minus strand). Cytogenetic location: 11p15.4.
Variant type: single nucleotide variant.
Coding change: c.3893G>C on transcript NM_003737.4 (MANE Select); coding-DNA position 3893, G replaced by C.
Protein change: p.Ser1298Thr; replaces serine 1298 with threonine.
Molecular consequence: missense variant.
Genome position (GRCh38, 1-based): chr11:6,631,090, C>G on the plus strand (G>C on the coding strand, the complement: DCHS1 is on the minus strand). VCF-style: chr11-6631090-C-G. GRCh37 (hg19) VCF-style: chr11-6652321-C-G.
Other names: short protein forms S1298T.
Identifiers: ClinVar variation 4974673 (VCV004974673.1).
Genomic context (GRCh38, chr11:6,631,090, plus strand): 5'-AAGGGGAGGAAGGGCAGCCATACCTGCACCAGCAGCTGGAGGCTGGCACTTCGAGGAGGG[C>G]TGCCTTGGTCATGAGCACTCAGTGTCAGCACATAGTGGGGCCGCTCTGCTCGGATCAGGG-3'
Protein context (NP_003728.1, residues 1288-1308): VLTLSAHDQG[Ser1298Thr]PPRSASLQLL

ClinVar aggregate classification (germline): Uncertain significance (1 of 4 stars; one submission).

Conditions:
Van Maldergem syndrome 1 (VMLDS1). Also called: Van Maldergem syndrome 1 (VMLDS1). Identifiers: Orphanet 314679, MedGen C4551950, MONDO:0011070, OMIM 601390.

Submission:

Clinical Genomics Laboratory, Washington University in St. Louis
Classification: Uncertain significance for Van Maldergem syndrome 1. Last evaluated: 2025-11-03. Review status: criteria provided, single submitter. Criteria: ACMG Guidelines, 2015. Collection method: clinical testing. Allele origin: germline.
Comment: A DCHS1 c.3893G>C (p.Ser1298Thr) variant was identified at a near heterozygous allelic fraction of 47.2% a frequency which may be consistent with it being of germline origin. The DCHS1 c.3893G>C (p.Ser1298Thr) variant, to our knowledge, has not been reported in the medical literature. This variant is absent from the general population (gnomAD v4.1.0), indicating it is not a common variant. Computational predictors suggest that the variant does not impact DCHS1 function. Due to limited information, and based on ACMG/AMP guidelines for variant interpretation (Richards S et al., PMID: 25741868), the clinical significance of this variant is uncertain at this time.